The following is an entry in ClinVar:

NM_001367624.2(ZNF469):c.11107G>T (p.Val3703Leu)

Gene: ZNF469 (zinc finger protein 469; plus strand). Cytogenetic location: 16q24.2.
Variant type: single nucleotide variant.
Coding change: c.11107G>T on transcript NM_001367624.2 (MANE Select); coding-DNA position 11107, G replaced by T.
Protein change: p.Val3703Leu; replaces valine 3703 with leucine.
Molecular consequence: missense variant.
Genome position (GRCh38, 1-based): chr16:88,438,577, G>T. VCF-style: chr16-88438577-G-T. GRCh37 (hg19) VCF-style: chr16-88504985-G-T.
Other names: NM_001127464.1:c.11023G>T; short protein forms V3703L.
Identifiers: ClinVar variation 3821110 (VCV003821110.1).
Genomic context (GRCh38, chr16:88,438,577, plus strand): 5'-AGGTCGGCAGCATCCACCCCCAGCAAAGCACTCAAGTTCCCAGTGCACCCAAGGAAGGCG[G>T]TGGGGAGCCTGGCACCCGGGGAGCTGGCCCGTGGCACAGAGAATGGGATGAAGCCCGCCA-3'
Protein context (NP_001354553.1, residues 3693-3713): LKFPVHPRKA[Val3703Leu]GSLAPGELAR

ClinVar aggregate classification (germline): Uncertain significance (1 of 4 stars; one submission).

Conditions:
Cardiovascular phenotype. Identifiers: MedGen CN230736.

gnomAD v4.1: 2 of 1,550,038 alleles (0.00013%); highest among the groups gnomAD compares: African/African-American, 0.0014%; no homozygotes.

Submission:

Ambry Genetics
Classification: Uncertain significance for Cardiovascular phenotype. Last evaluated: 2025-01-10. Review status: criteria provided, single submitter. Criteria: Ambry Variant Classification Scheme 2023. Collection method: clinical testing. Allele origin: germline.
Comment: The p.V3675L variant (also known as c.11023G>T), located in coding exon 2 of the ZNF469 gene, results from a G to T substitution at nucleotide position 11023. The valine at codon 3675 is replaced by leucine, an amino acid with highly similar properties. This amino acid position is conserved. In addition, this alteration is predicted to be tolerated by in silico analysis. Based on the available evidence, the clinical significance of this variant remains unclear.